The following is an entry in ClinVar:

NM_052947.4(ALPK2):c.6394T>C (p.Ser2132Pro)

Gene: ALPK2 (alpha kinase 2; minus strand). Cytogenetic location: 18q21.31.
Variant type: single nucleotide variant.
Coding change: c.6394T>C on transcript NM_052947.4 (MANE Select); coding-DNA position 6394, T replaced by C.
Protein change: p.Ser2132Pro; replaces serine 2132 with proline.
Molecular consequence: missense variant.
Genome position (GRCh38, 1-based): chr18:58,481,942, A>G on the plus strand (T>C on the coding strand, the complement: ALPK2 is on the minus strand). VCF-style: chr18-58481942-A-G. GRCh37 (hg19) VCF-style: chr18-56149174-A-G.
Other names: short protein forms S2132P.
Identifiers: ClinVar variation 1753248 (VCV001753248.2), dbSNP rs773223876, ClinGen allele CA8976161.

ClinVar aggregate classification (germline): Uncertain significance (1 of 4 stars; one submission).

Allele frequency attached by ClinVar (database versions not stated): gnomAD exomes below 0.00001; ExAC 0.00001; gnomAD 0.00003; TOPMed 0.00003.
gnomAD v4.1: 7 of 1,613,840 alleles (0.00043%); highest among the groups gnomAD compares: African/African-American, 0.0094%; no homozygotes.

Submission:

Ambry Genetics
Classification: Uncertain significance. Last evaluated: 2022-03-07. Review status: criteria provided, single submitter. Criteria: Ambry Variant Classification Scheme 2023. Collection method: clinical testing. Allele origin: germline.
Comment: The p.S2132P variant (also known as c.6394T>C), located in coding exon 12 of the ALPK2 gene, results from a T to C substitution at nucleotide position 6394. The serine at codon 2132 is replaced by proline, an amino acid with similar properties. This amino acid position is conserved. In addition, this alteration is predicted to be tolerated by in silico analysis. Since supporting evidence is limited at this time, the clinical significance of this alteration remains unclear.